The following is an entry in ClinVar:

ClinVar aggregate classification (germline): Uncertain significance. Review status: criteria provided, multiple submitters, no conflicts (2 of 4 stars). 2 submissions from 2 submitters: Uncertain significance (2). Last evaluated 2023-09-14.

Conditions:
Inborn genetic diseases. Identifiers: MedGen C0950123, MeSH D030342.

Allele frequency attached by ClinVar (database versions not stated): gnomAD exomes 0.00002; gnomAD 0.00003; TOPMed 0.00006; 1000 Genomes Project 30x 0.00062.

Submissions (2):

Ambry Genetics
Classification: Uncertain significance for Inborn genetic diseases. Last evaluated: 2023-09-14. Review status: criteria provided, single submitter. Criteria: Ambry General Variant Classification Scheme_2022. Collection method: clinical testing. Allele origin: germline.

CeGaT Center for Human Genetics Tuebingen
Classification: Uncertain significance. Last evaluated: 2023-07-01. Review status: criteria provided, single submitter. Criteria: CeGaT Center For Human Genetics Tuebingen Variant Classification Criteria Version 2. Collection method: clinical testing. Allele origin: germline. Affected: yes. Observed: 1 variant allele.
Comment: CRB2: PM2, PP2, PP4

NM_173689.7(CRB2):c.3124G>A (p.Ala1042Thr)

Gene: CRB2 (crumbs cell polarity complex component 2; plus strand). Cytogenetic location: 9q33.3.
Variant type: single nucleotide variant.
Coding change: c.3124G>A on transcript NM_173689.7 (MANE Select); coding-DNA position 3124, G replaced by A.
Protein change: p.Ala1042Thr; replaces alanine 1042 with threonine.
Molecular consequence: missense variant. On other transcripts: non-coding transcript variant (1).
Genome position (GRCh38, 1-based): chr9:123,373,655, G>A. VCF-style: chr9-123373655-G-A. GRCh37 (hg19) VCF-style: chr9-126135934-G-A.
Other names: short protein forms A1042T.
Identifiers: ClinVar variation 2598878 (VCV002598878.25), dbSNP rs750389362, ClinGen allele CA5232361.